The following is an entry in ClinVar:

ClinVar aggregate classification (germline): Uncertain significance (1 of 4 stars; one submission).

gnomAD v4.1: 1 of 1,551,570 alleles (0.000064%); highest among the groups gnomAD compares: Non-Finnish European, 0.000087%; no homozygotes.

Submission:

Labcorp Genetics (formerly Invitae), Labcorp
Classification: Uncertain significance. Last evaluated: 2023-10-17. Review status: criteria provided, single submitter. Criteria: Invitae Variant Classification Sherloc (09022015). Collection method: clinical testing. Allele origin: germline.
Comment: This sequence change replaces arginine, which is basic and polar, with leucine, which is neutral and non-polar, at codon 1366 of the TET2 protein (p.Arg1366Leu). This variant is not present in population databases (gnomAD no frequency). This variant has not been reported in the literature in individuals affected with TET2-related conditions. An algorithm developed to predict the effect of missense changes on protein structure and function (PolyPhen-2) suggests that this variant is likely to be disruptive. In summary, the available evidence is currently insufficient to determine the role of this variant in disease. Therefore, it has been classified as a Variant of Uncertain Significance.

NM_001127208.3(TET2):c.4097G>T (p.Arg1366Leu)

Genes: TET2 (tet methylcytosine dioxygenase 2; plus strand), TET2-AS1 (TET2 antisense RNA 1; minus strand). Cytogenetic location: 4q24.
Variant type: single nucleotide variant.
Coding change: c.4097G>T on transcript NM_001127208.3 (MANE Select); coding-DNA position 4097, G replaced by T.
Protein change: p.Arg1366Leu; replaces arginine 1366 with leucine.
Molecular consequence: missense variant.
Genome position (GRCh38, 1-based): chr4:105,269,662, G>T. VCF-style: chr4-105269662-G-T. GRCh37 (hg19) VCF-style: chr4-106190819-G-T.
Other names: short protein forms R1366L.
Identifiers: ClinVar variation 2778199 (VCV002778199.3), dbSNP rs534309433, ClinGen allele CA357809499.